The following is an entry in ClinVar:

NM_000138.5(FBN1):c.3846T>G (p.Asn1282Lys)

Gene: FBN1 (fibrillin 1; minus strand). Cytogenetic location: 15q21.1.
Variant type: single nucleotide variant.
Coding change: c.3846T>G on transcript NM_000138.5 (MANE Select); coding-DNA position 3846, T replaced by G.
Protein change: p.Asn1282Lys; replaces asparagine 1282 with lysine.
Molecular consequence: missense variant.
Genome position (GRCh38, 1-based): chr15:48,481,773, A>C on the plus strand (T>G on the coding strand, the complement: FBN1 is on the minus strand). VCF-style: chr15-48481773-A-C. GRCh37 (hg19) VCF-style: chr15-48773970-A-C.
Other names: c.3846T>G, p.Asn1282Lys (NM_001406716.1); short protein forms N1282K.
Identifiers: ClinVar variation 3369611 (VCV003369611.1).

ClinVar aggregate classification (germline): Uncertain significance (1 of 4 stars; one submission).

gnomAD v4.1: 1 of 1,613,156 alleles (0.000062%); highest among the groups gnomAD compares: African/African-American, 0.0013%; no homozygotes.

Submission:

GeneDx
Classification: Uncertain significance. Last evaluated: 2024-02-26. Review status: criteria provided, single submitter. Criteria: GeneDx Variant Classification Process June 2021. Collection method: clinical testing. Allele origin: germline. Affected: yes.
Comment: Not observed at significant frequency in large population cohorts (gnomAD); In silico analysis supports that this missense variant has a deleterious effect on protein structure/function; Although located in a calcium-binding EGF-like domain of the FBN1 gene, it does not affect a cysteine residue within this domain; cysteine substitutions in the calcium-binding EGF-like domains represent the majority of pathogenic missense changes associated with FBN1-related disorders (PMID: 12938084); Has not been previously published as pathogenic or benign to our knowledge